The following is an entry in ClinVar:

ClinVar aggregate classification (germline): Uncertain significance. Review status: criteria provided, multiple submitters, no conflicts (2 of 4 stars). 2 submissions from 2 submitters: Uncertain significance (2). Last evaluated 2025-06-12.

Conditions:
Breast-ovarian cancer, familial, susceptibility to, 4. Identifiers: Orphanet 145, MedGen C3280345, MONDO:0013669, OMIM 614291.
Hereditary cancer-predisposing syndrome. Also called: Neoplastic Syndromes, Hereditary; Tumor predisposition; Hereditary neoplastic syndrome; Hereditary Cancer Syndrome. Identifiers: Orphanet 140162, MedGen C0027672, MeSH D009386, MONDO:0015356.

Submissions (2):

Ambry Genetics
Classification: Uncertain significance for Hereditary cancer-predisposing syndrome. Last evaluated: 2025-06-12. Review status: criteria provided, single submitter. Criteria: Ambry Variant Classification Scheme 2023. Collection method: clinical testing. Allele origin: germline.
Comment: The p.Q301R variant (also known as c.902A>G), located in coding exon 9 of the RAD51D gene, results from an A to G substitution at nucleotide position 902. The glutamine at codon 301 is replaced by arginine, an amino acid with highly similar properties. This amino acid position is conserved. In addition, this alteration is predicted to be tolerated by in silico analysis. Based on the available evidence, the clinical significance of this variant remains unclear.

Labcorp Genetics (formerly Invitae), Labcorp
Classification: Uncertain significance for Breast-ovarian cancer, familial, susceptibility to, 4. Last evaluated: 2023-06-24. Review status: criteria provided, single submitter. Criteria: Invitae Variant Classification Sherloc (09022015). Collection method: clinical testing. Allele origin: germline.
Comment: This variant is not present in population databases (gnomAD no frequency). This variant has not been reported in the literature in individuals affected with RAD51D-related conditions. An algorithm developed to predict the effect of missense changes on protein structure and function (PolyPhen-2) suggests that this variant is likely to be tolerated. Algorithms developed to predict the effect of sequence changes on RNA splicing suggest that this variant may disrupt the consensus splice site. In summary, the available evidence is currently insufficient to determine the role of this variant in disease. Therefore, it has been classified as a Variant of Uncertain Significance. This sequence change replaces glutamine, which is neutral and polar, with arginine, which is basic and polar, at codon 301 of the RAD51D protein (p.Gln301Arg).

NM_002878.4(RAD51D):c.902A>G (p.Gln301Arg)

Genes: RAD51D (RAD51 paralog D; minus strand), RAD51L3-RFFL (RAD51L3-RFFL readthrough; minus strand). Cytogenetic location: 17q12.
Variant type: single nucleotide variant.
Coding change: c.902A>G on transcript NM_002878.4 (MANE Select); coding-DNA position 902, A replaced by G.
Protein change: p.Gln301Arg; replaces glutamine 301 with arginine.
Molecular consequence: missense variant. On other transcripts: non-coding transcript variant (3).
Genome position (GRCh38, 1-based): chr17:35,101,202, T>C on the plus strand (A>G on the coding strand, the complement: RAD51D is on the minus strand). VCF-style: chr17-35101202-T-C. GRCh37 (hg19) VCF-style: chr17-33428221-T-C.
Other names: c.962A>G, p.Gln321Arg (NM_001142571.2); c.566A>G, p.Gln189Arg (NM_133629.3); short protein forms Q301R, Q189R, Q321R.
Identifiers: ClinVar variation 2726961 (VCV002726961.4), dbSNP rs2142410841, ClinGen allele CA399086236.